The following is an entry in ClinVar:

ClinVar aggregate classification (germline): Pathogenic (1 of 4 stars; one submission).

Conditions:
Bethlem myopathy 1A. Also called: Bethlem myopathy 1; Bethlem Muscular Dystrophy; MYOPATHY, BENIGN CONGENITAL, WITH CONTRACTURES. Identifiers: Orphanet 610, MedGen CN029274, MONDO:0024530, OMIM 158810.

Submission:

Labcorp Genetics (formerly Invitae), Labcorp
Classification: Pathogenic for Bethlem myopathy 1A. Last evaluated: 2023-05-23. Review status: criteria provided, single submitter. Criteria: Invitae Variant Classification Sherloc (09022015). Collection method: clinical testing. Allele origin: germline.
Comment: This variant has been observed in individual(s) with autosomal dominant COL6A2-related conditions (Invitae). In at least one individual the variant was observed to be de novo. This variant is not present in population databases (gnomAD no frequency). This sequence change falls in intron 6 of the COL6A2 gene. It does not directly change the encoded amino acid sequence of the COL6A2 protein. It affects a nucleotide within the consensus splice site. ClinVar contains an entry for this variant (Variation ID: 1463372). For these reasons, this variant has been classified as Pathogenic. Variants that disrupt the consensus splice site are a relatively common cause of aberrant splicing (PMID: 17576681, 9536098). Algorithms developed to predict the effect of sequence changes on RNA splicing suggest that this variant may disrupt the consensus splice site.

Literature cited by the submitters: PubMed 17576681; PubMed 9536098.

NM_001849.4(COL6A2):c.855+4_855+7del

Gene: COL6A2 (collagen type VI alpha 2 chain; plus strand). Cytogenetic location: 21q22.3.
Variant type: Deletion.
Coding change: c.855+4_855+7del on transcript NM_001849.4 (MANE Select); bases 4 to 7 of the intron after coding-DNA position 855, 4 bases deleted (AGTG; older notation c.855+4_855+7delAGTG).
Molecular consequence: splice donor variant.
Genome position (GRCh38, 1-based): chr21:46,115,929-46,115,932, AGTG deleted; deleting any 4 consecutive bases within chr21:46,115,926-46,115,932 gives the same sequence; the c. name uses the placement nearest the transcript's 3' end. VCF-style (leftmost placement, unchanged base first): chr21-46115925-GGTGA-G. GRCh37 (hg19) VCF-style: chr21-47535839-GGTGA-G.
Other names: c.855+4_855+7del (NM_058175.3, NM_058174.3).
Identifiers: ClinVar variation 1463372 (VCV001463372.6), dbSNP rs2123625716, ClinGen allele CA2573157643.